The following is an entry in ClinVar:

NM_002292.4(LAMB2):c.5379C>G (p.Ile1793Met)

Gene: LAMB2 (laminin subunit beta 2; minus strand). Cytogenetic location: 3p21.31.
Variant type: single nucleotide variant.
Coding change: c.5379C>G on transcript NM_002292.4 (MANE Select); coding-DNA position 5379, C replaced by G.
Protein change: p.Ile1793Met; replaces isoleucine 1793 with methionine.
Molecular consequence: missense variant.
Genome position (GRCh38, 1-based): chr3:49,121,244, G>C on the plus strand (C>G on the coding strand, the complement: LAMB2 is on the minus strand). VCF-style: chr3-49121244-G-C. GRCh37 (hg19) VCF-style: chr3-49158677-G-C.
Other names: short protein forms I1793M.
Identifiers: ClinVar variation 444602 (VCV000444602.50), dbSNP rs11550620, ClinGen allele CA2393543.

ClinVar aggregate classification (germline): Uncertain significance. Review status: criteria provided, multiple submitters, no conflicts (2 of 4 stars). 7 submissions from 7 submitters: Uncertain significance (7). Last evaluated 2026-03-02.

Conditions:
LAMB2-related infantile-onset nephrotic syndrome. Also called: Nephrotic Syndrome, type 5; NEPHROTIC SYNDROME, TYPE 5, WITHOUT OCULAR ABNORMALITIES; NEPHROTIC SYNDROME, TYPE 5, WITH OCULAR ABNORMALITIES. Identifiers: Orphanet 306507, MedGen C3280113, MONDO:0013621, OMIM 614199.
Pierson syndrome. Also called: MICROCORIA-CONGENITAL NEPHROTIC SYNDROME. Identifiers: Orphanet 2670, MedGen C1836876, MONDO:0012184, OMIM 609049.
Inborn genetic diseases. Identifiers: MedGen C0950123, MeSH D030342.

Allele frequency attached by ClinVar (database versions not stated): TOPMed 0.00013; ESP Exome Variant Server 0.00015; gnomAD 0.00019.
gnomAD v4.1: 344 of 1,612,160 alleles (0.021%); highest among the groups gnomAD compares: Non-Finnish European, 0.025%; no homozygotes.

Submissions (7):

GeneDx
Classification: Uncertain significance. Last evaluated: 2026-03-02. Review status: criteria provided, single submitter. Criteria: GeneDx Variant Classification Process June 2021. Collection method: clinical testing. Allele origin: germline.
Comment: In silico analysis suggests that this missense variant does not alter protein structure/function; Has not been previously published as pathogenic or benign to our knowledge

Blueprint Genetics
Classification: Uncertain significance. Last evaluated: 2024-11-05. Review status: criteria provided, single submitter. Criteria: ACMG Guidelines, 2015. Collection method: clinical testing. Allele origin: germline.

Ambry Genetics
Classification: Uncertain significance for Inborn genetic diseases. Last evaluated: 2024-10-16. Review status: criteria provided, single submitter. Criteria: Ambry Variant Classification Scheme 2023. Collection method: clinical testing. Allele origin: germline.

Labcorp Genetics (formerly Invitae), Labcorp
Classification: Uncertain significance for LAMB2-related infantile-onset nephrotic syndrome; Pierson syndrome. Last evaluated: 2022-10-24. Review status: criteria provided, single submitter. Criteria: Invitae Variant Classification Sherloc (09022015). Collection method: clinical testing. Allele origin: germline.
Comment: This sequence change replaces isoleucine, which is neutral and non-polar, with methionine, which is neutral and non-polar, at codon 1793 of the LAMB2 protein (p.Ile1793Met). This variant is present in population databases (rs11550620, gnomAD 0.05%). This variant has not been reported in the literature in individuals affected with LAMB2-related conditions. ClinVar contains an entry for this variant (Variation ID: 444602). Algorithms developed to predict the effect of missense changes on protein structure and function are either unavailable or do not agree on the potential impact of this missense change (SIFT: "Deleterious"; PolyPhen-2: "Probably Damaging"; Align-GVGD: "Class C0"). In summary, the available evidence is currently insufficient to determine the role of this variant in disease. Therefore, it has been classified as a Variant of Uncertain Significance.

Fulgent Genetics
Classification: Uncertain significance for Pierson syndrome; LAMB2-related infantile-onset nephrotic syndrome. Last evaluated: 2022-03-30. Review status: criteria provided, single submitter. Criteria: ACMG Guidelines, 2015. Collection method: clinical testing. Allele origin: unknown.

Baylor Genetics
Classification: Uncertain significance for LAMB2-related infantile-onset nephrotic syndrome. Last evaluated: 2018-12-18. Review status: criteria provided, single submitter. Criteria: ACMG Guidelines, 2015. Collection method: clinical testing. Allele origin: paternal. Affected: yes.
Comment: This variant was determined to be of uncertain significance according to ACMG Guidelines, 2015 [PMID:25741868].

CeGaT Center for Human Genetics Tuebingen
Classification: Uncertain significance. Last evaluated: 2017-06-01. Review status: criteria provided, single submitter. Criteria: CeGaT Center For Human Genetics Tuebingen Variant Classification Criteria Version 2. Collection method: clinical testing. Allele origin: germline. Affected: yes. Observed: 1 variant allele.